The following is an entry in ClinVar:

ClinVar aggregate classification (germline): Uncertain significance (1 of 4 stars; one submission).

Allele frequency attached by ClinVar (database versions not stated): TOPMed below 0.00001; gnomAD exomes 0.00001.
gnomAD v4.1: 4 of 1,613,388 alleles (0.00025%); highest among the groups gnomAD compares: Non-Finnish European, 0.00034%; no homozygotes.

Submission:

Labcorp Genetics (formerly Invitae), Labcorp
Classification: Uncertain significance. Last evaluated: 2024-06-05. Review status: criteria provided, single submitter. Criteria: Invitae Variant Classification Sherloc (09022015). Collection method: clinical testing. Allele origin: germline.
Comment: This sequence change replaces asparagine, which is neutral and polar, with serine, which is neutral and polar, at codon 327 of the PROM1 protein (p.Asn327Ser). This variant is present in population databases (no rsID available, gnomAD 0.0009%). This missense change has been observed in individual(s) with Stargardt-like macular dystrophy (PMID: 25474345). ClinVar contains an entry for this variant (Variation ID: 2203537). Advanced modeling of protein sequence and biophysical properties (such as structural, functional, and spatial information, amino acid conservation, physicochemical variation, residue mobility, and thermodynamic stability) performed at Invitae indicates that this missense variant is not expected to disrupt PROM1 protein function with a negative predictive value of 80%. In summary, the available evidence is currently insufficient to determine the role of this variant in disease. Therefore, it has been classified as a Variant of Uncertain Significance.

Literature cited by the submitters: PubMed 25474345.

NM_006017.3(PROM1):c.980A>G (p.Asn327Ser)

Gene: PROM1 (prominin 1; minus strand). Cytogenetic location: 4p15.32.
Variant type: single nucleotide variant.
Coding change: c.980A>G on transcript NM_006017.3 (MANE Select); coding-DNA position 980, A replaced by G.
Protein change: p.Asn327Ser; replaces asparagine 327 with serine.
Molecular consequence: missense variant.
Genome position (GRCh38, 1-based): chr4:16,018,345, T>C on the plus strand (A>G on the coding strand, the complement: PROM1 is on the minus strand). VCF-style: chr4-16018345-T-C. GRCh37 (hg19) VCF-style: chr4-16019968-T-C.
Other names: c.953A>G, p.Asn318Ser (NM_001145847.2, NM_001145848.2, NM_001145851.2 and 4 more transcripts); c.980A>G, p.Asn327Ser (NM_001145849.2, NM_001145850.2); short protein forms N327S, N318S.
Identifiers: ClinVar variation 2203537 (VCV002203537.4), dbSNP rs935424227, ClinGen allele CA92562926.